The following is an entry in ClinVar:

ClinVar aggregate classification (germline): Uncertain significance (1 of 4 stars; one submission).

Conditions:
Cardiovascular phenotype. Identifiers: MedGen CN230736.

Allele frequency attached by ClinVar (database versions not stated): gnomAD exomes below 0.00001; ExAC 0.00001.
gnomAD v4.1: 1 of 1,204,956 alleles (0.000083%); highest among the groups gnomAD compares: Non-Finnish European, 0.00011%; no homozygotes.

Submission:

Ambry Genetics
Classification: Uncertain significance for Cardiovascular phenotype. Last evaluated: 2020-02-27. Review status: criteria provided, single submitter. Criteria: Ambry Variant Classification Scheme 2023. Collection method: clinical testing. Allele origin: germline.
Comment: The p.K106R variant (also known as c.317A>G), located in coding exon 2 of the FHL1 gene, results from an A to G substitution at nucleotide position 317. The lysine at codon 106 is replaced by arginine, an amino acid with highly similar properties. This amino acid position is highly conserved in available vertebrate species. In addition, this alteration is predicted to be deleterious by in silico analysis. Since supporting evidence is limited at this time, the clinical significance of this alteration remains unclear.

NM_001159699.2(FHL1):c.365A>G (p.Lys122Arg)

Gene: FHL1 (four and a half LIM domains 1; plus strand). Cytogenetic location: Xq26.3.
Variant type: single nucleotide variant.
Coding change: c.365A>G on transcript NM_001159699.2 (MANE Select); coding-DNA position 365, A replaced by G.
Protein change: p.Lys122Arg; replaces lysine 122 with arginine.
Molecular consequence: missense variant. On other transcripts: non-coding transcript variant (1).
Genome position (GRCh38, 1-based): chrX:136,207,176, A>G. VCF-style: chrX-136207176-A-G. GRCh37 (hg19) VCF-style: chrX-135289335-A-G.
Other names: c.317A>G, p.Lys106Arg (NM_001159700.2, NM_001159702.3, NM_001159703.2 and 9 more transcripts); c.404A>G, p.Lys135Arg (NM_001159701.2); c.365A>G, p.Lys122Arg (NM_001330659.2); short protein forms K106R, K122R, K135R.
Identifiers: ClinVar variation 1728510 (VCV001728510.2), dbSNP rs777634473, ClinGen allele CA10524984.